The following is an entry in ClinVar:

ClinVar aggregate classification (germline): Uncertain significance (1 of 4 stars; one submission).

gnomAD v4.1: 1 of 1,614,072 alleles (0.000062%); no homozygotes.

Submission:

Ambry Genetics
Classification: Uncertain significance. Last evaluated: 2024-06-14. Review status: criteria provided, single submitter. Criteria: Ambry Variant Classification Scheme 2023. Collection method: clinical testing. Allele origin: germline.
Comment: The p.D1482N variant (also known as c.4444G>A), located in coding exon 40 of the KIF1B gene, results from a G to A substitution at nucleotide position 4444. The aspartic acid at codon 1482 is replaced by asparagine, an amino acid with highly similar properties. This amino acid position is not well conserved in available vertebrate species. In addition, this alteration is predicted to be tolerated by in silico analysis. Since supporting evidence is limited at this time, the clinical significance of this alteration remains unclear.

NM_001365951.3(KIF1B):c.4582G>A (p.Asp1528Asn)

Gene: KIF1B (kinesin family member 1B; plus strand). Cytogenetic location: 1p36.22.
Variant type: single nucleotide variant.
Coding change: c.4582G>A on transcript NM_001365951.3 (MANE Select); coding-DNA position 4582, G replaced by A.
Protein change: p.Asp1528Asn; replaces aspartic acid 1528 with asparagine.
Molecular consequence: missense variant.
Genome position (GRCh38, 1-based): chr1:10,365,478, G>A. VCF-style: chr1-10365478-G-A. GRCh37 (hg19) VCF-style: chr1-10425536-G-A.
Other names: c.4582G>A, p.Asp1528Asn (NM_001365952.1); c.4444G>A, p.Asp1482Asn (NM_015074.3); short protein forms D1482N, D1528N.
Identifiers: ClinVar variation 1740647 (VCV001740647.3), dbSNP rs1242181470, ClinGen allele CA338321966.